The following is an entry in ClinVar:

NM_015087.5(SPART):c.1354G>C (p.Gly452Arg)

Gene: SPART (spartin; minus strand). Cytogenetic location: 13q13.3.
Variant type: single nucleotide variant.
Coding change: c.1354G>C on transcript NM_015087.5 (MANE Select); coding-DNA position 1354, G replaced by C.
Protein change: p.Gly452Arg; replaces glycine 452 with arginine.
Molecular consequence: missense variant.
Genome position (GRCh38, 1-based): chr13:36,314,356, C>G on the plus strand (G>C on the coding strand, the complement: SPART is on the minus strand). VCF-style: chr13-36314356-C-G. GRCh37 (hg19) VCF-style: chr13-36888493-C-G.
Other names: c.1354G>C, p.Gly452Arg (NM_001142294.2, NM_001142295.2, NM_001142296.2); short protein forms G452R.
Identifiers: ClinVar variation 1306859 (VCV001306859.2), dbSNP rs770460735, ClinGen allele CA6949413.
Genomic context (GRCh38, chr13:36,314,356, plus strand): 5'-CTGGACTAACTTCCACGGGTTTTTCTTCTGGTTGAATCCGCTCTCGGAGTTTAGAAGCAC[C>G]TTTCTGGATTGCCTTACCAGTAATCTCAGCACCTTTGACTAAACCCCAACTCACCCAGGA-3'
Protein context (NP_055902.1, residues 442-462): AEITGKAIQK[Gly452Arg]ASKLRERIQP

ClinVar aggregate classification (germline): Uncertain significance (1 of 4 stars; one submission).

Allele frequency attached by ClinVar (database versions not stated): gnomAD exomes 0.00001 and 0.00003; TOPMed 0.00001; ExAC 0.00002.
gnomAD v4.1: 49 of 1,614,128 alleles (0.003%); highest among the groups gnomAD compares: Non-Finnish European, 0.004%; no homozygotes.

Submission:

GeneDx
Classification: Uncertain significance. Last evaluated: 2019-06-28. Review status: criteria provided, single submitter. Criteria: GeneDx Variant Classification Process June 2021. Collection method: clinical testing. Allele origin: germline. Affected: yes.
Comment: Not observed at a significant frequency in large population cohorts (Lek et al., 2016); In silico analysis, which includes protein predictors and evolutionary conservation, supports a deleterious effect; Has not been previously published as pathogenic or benign to our knowledge